The following is an entry in ClinVar:

ClinVar aggregate classification (germline): Uncertain significance (1 of 4 stars; one submission).

Submission:

Women's Health and Genetics/Laboratory Corporation of America, LabCorp
Classification: Uncertain significance. Last evaluated: 2026-02-19. Review status: criteria provided, single submitter. Criteria: LabCorp Variant Classification Summary - May 2015. Collection method: clinical testing. Allele origin: germline.
Comment: Variant summary: AEBP1 c.2468A>T (p.His823Leu) results in a non-conservative amino acid change in the encoded protein sequence. Algorithms developed to predict the effect of missense changes on protein structure and function are either unavailable or do not agree on the potential impact of this missense change. The variant was absent in 247472 control chromosomes. The available data on variant occurrences in the general population are insufficient to allow any conclusion about variant significance. To our knowledge, no occurrence of c.2468A>T in individuals affected with AEBP1-related conditions and no experimental evidence demonstrating its impact on protein function have been reported. No submitters have cited clinical-significance assessments for this variant to ClinVar. Based on the evidence outlined above, the variant was classified as uncertain significance.

NM_001129.5(AEBP1):c.2468A>T (p.His823Leu)

Gene: AEBP1 (AE binding protein 1; plus strand). Cytogenetic location: 7p13.
Variant type: single nucleotide variant.
Coding change: c.2468A>T on transcript NM_001129.5 (MANE Select); coding-DNA position 2468, A replaced by T.
Protein change: p.His823Leu; replaces histidine 823 with leucine.
Molecular consequence: missense variant.
Genome position (GRCh38, 1-based): chr7:44,112,808, A>T. VCF-style: chr7-44112808-A-T. GRCh37 (hg19) VCF-style: chr7-44152407-A-T.
Other names: short protein forms H823L.
Identifiers: ClinVar variation 4848209 (VCV004848209.1).